The following is an entry in ClinVar:

ClinVar aggregate classification (germline): Uncertain significance (1 of 4 stars; one submission).

Allele frequency attached by ClinVar (database versions not stated): TOPMed below 0.00001.

Submission:

Labcorp Genetics (formerly Invitae), Labcorp
Classification: Uncertain significance. Last evaluated: 2023-11-10. Review status: criteria provided, single submitter. Criteria: Invitae Variant Classification Sherloc (09022015). Collection method: clinical testing. Allele origin: germline.
Comment: This sequence change replaces arginine, which is basic and polar, with glycine, which is neutral and non-polar, at codon 541 of the KMT2A protein (p.Arg541Gly). This variant is not present in population databases (gnomAD no frequency). This variant has not been reported in the literature in individuals affected with KMT2A-related conditions. Advanced modeling of protein sequence and biophysical properties (such as structural, functional, and spatial information, amino acid conservation, physicochemical variation, residue mobility, and thermodynamic stability) has been performed at Invitae for this missense variant, however the output from this modeling did not meet the statistical confidence thresholds required to predict the impact of this variant on KMT2A protein function. In summary, the available evidence is currently insufficient to determine the role of this variant in disease. Therefore, it has been classified as a Variant of Uncertain Significance.

NM_001197104.2(KMT2A):c.1621A>G (p.Arg541Gly)

Gene: KMT2A (lysine methyltransferase 2A; plus strand). Cytogenetic location: 11q23.3.
Variant type: single nucleotide variant.
Coding change: c.1621A>G on transcript NM_001197104.2 (MANE Select); coding-DNA position 1621, A replaced by G.
Protein change: p.Arg541Gly; replaces arginine 541 with glycine.
Molecular consequence: missense variant.
Genome position (GRCh38, 1-based): chr11:118,472,780, A>G. VCF-style: chr11-118472780-A-G. GRCh37 (hg19) VCF-style: chr11-118343495-A-G.
Other names: c.1720A>G, p.Arg574Gly (NM_001412597.1); c.1621A>G, p.Arg541Gly (NM_005933.4); short protein forms R574G, R541G.
Identifiers: ClinVar variation 2694859 (VCV002694859.3), dbSNP rs1949966472, ClinGen allele CA382810506.